The following is an entry in ClinVar:

ClinVar aggregate classification (germline): Uncertain significance (1 of 4 stars; one submission).

Conditions:
Muscular dystrophy-dystroglycanopathy (congenital with impaired intellectual development), type B, 2. Also called: MUSCULAR DYSTROPHY, CONGENITAL, POMT2-RELATED; Muscular dystrophy-dystroglycanopathy (congenital with intellectual disability), type B2. Identifiers: MedGen C3150416, MONDO:0013160, OMIM 613156.
Autosomal recessive limb-girdle muscular dystrophy type 2N. Also called: MUSCULAR DYSTROPHY-DYSTROGLYCANOPATHY, LIMB-GIRDLE, POMT2-RELATED; Muscular dystrophy-dystroglycanopathy (limb-girdle), type C, 2. Identifiers: Orphanet 206559, MedGen C3150418, MONDO:0013162, OMIM 613158.
Muscular dystrophy-dystroglycanopathy (congenital with brain and eye anomalies), type A2. Also called: MUSCULAR DYSTROPHY-DYSTROGLYCANOPATHY (CONGENITAL WITH BRAIN AND EYE ANOMALIES), TYPE A, 2; WALKER-WARBURG SYNDROME OR MUSCLE-EYE-BRAIN DISEASE, POMT2-RELATED. Identifiers: Orphanet 588, Orphanet 899, MedGen C3150411, MONDO:0013154, OMIM 613150.

gnomAD v4.1: 12 of 1,551,860 alleles (0.00077%); highest among the groups gnomAD compares: Non-Finnish European, 0.001%; no homozygotes.

Submission:

Labcorp Genetics (formerly Invitae), Labcorp
Classification: Uncertain significance for Muscular dystrophy-dystroglycanopathy (congenital with impaired intellectual development), type B, 2; Muscular dystrophy-dystroglycanopathy (congenital with brain and eye anomalies), type A2; Autosomal recessive limb-girdle muscular dystrophy type 2N. Last evaluated: 2025-10-02. Review status: criteria provided, single submitter. Criteria: Invitae Variant Classification Sherloc (09022015). Collection method: clinical testing. Allele origin: germline.
Comment: This sequence change replaces glycine, which is neutral and non-polar, with cysteine, which is neutral and slightly polar, at codon 56 of the POMT2 protein (p.Gly56Cys). The frequency data for this variant in the population databases is considered unreliable, as metrics indicate poor data quality at this position in the gnomAD database. This variant has not been reported in the literature in individuals affected with POMT2-related conditions. Invitae Evidence Modeling of protein sequence and biophysical properties (such as structural, functional, and spatial information, amino acid conservation, physicochemical variation, residue mobility, and thermodynamic stability) indicates that this missense variant is not expected to disrupt POMT2 protein function with a negative predictive value of 95%. In summary, the available evidence is currently insufficient to determine the role of this variant in disease. Therefore, it has been classified as a Variant of Uncertain Significance.

NM_013382.7(POMT2):c.166G>T (p.Gly56Cys)

Gene: POMT2 (protein O-mannosyltransferase 2; minus strand). Cytogenetic location: 14q24.3.
Variant type: single nucleotide variant.
Coding change: c.166G>T on transcript NM_013382.7 (MANE Select); coding-DNA position 166, G replaced by T.
Protein change: p.Gly56Cys; replaces glycine 56 with cysteine.
Molecular consequence: missense variant.
Genome position (GRCh38, 1-based): chr14:77,320,516, C>A on the plus strand (G>T on the coding strand, the complement: POMT2 is on the minus strand). VCF-style: chr14-77320516-C-A. GRCh37 (hg19) VCF-style: chr14-77786859-C-A.
Other names: short protein forms G56C.
Identifiers: ClinVar variation 4786305 (VCV004786305.1).
Genomic context (GRCh38, chr14:77,320,516, plus strand): 5'-AGCGGTGGAAGCGGGTGGCGAAGGACAGCAGCGTCACCAAGGCCAGCAGGGCCCACCAGC[C>A]GACCGCCTCGAAGCGCCGTGAGCCCCAAGCAGGCCGTTTGGGGCTTCGCGCCACAGCCTC-3'
Protein context (NP_037514.2, residues 46-66): AWGSRRFEAV[Gly56Cys]WWALLALVTL